The following is an entry in ClinVar:

ClinVar aggregate classification (germline): Uncertain significance. Review status: criteria provided, multiple submitters, no conflicts (2 of 4 stars). 2 submissions from 2 submitters: Uncertain significance (2). Last evaluated 2025-11-17.

Conditions:
Hereditary cancer-predisposing syndrome. Also called: Neoplastic Syndromes, Hereditary; Hereditary Cancer Syndrome; Hereditary neoplastic syndrome; Tumor predisposition. Identifiers: Orphanet 140162, MedGen C0027672, MeSH D009386, MONDO:0015356.
Familial cancer of breast. Also called: hereditary breast carcinoma; BREAST CANCER, FAMILIAL; Hereditary breast cancer. Identifiers: Orphanet 227535, MedGen C0346153, MONDO:0016419, OMIM 114480. Disease mechanism: loss of function.
Fanconi anemia complementation group J. Also called: BRIP1-Related Fanconi Anemia. Identifiers: Orphanet 84, MedGen C1836860, MONDO:0012187, OMIM 609054.

Submissions (2):

Labcorp Genetics (formerly Invitae), Labcorp
Classification: Uncertain significance for Familial cancer of breast; Fanconi anemia complementation group J. Last evaluated: 2025-11-17. Review status: criteria provided, single submitter. Criteria: Invitae Variant Classification Sherloc (09022015). Collection method: clinical testing. Allele origin: germline.
Comment: This sequence change replaces methionine, which is neutral and non-polar, with isoleucine, which is neutral and non-polar, at codon 473 of the BRIP1 protein (p.Met473Ile). This variant is not present in population databases (gnomAD no frequency). This variant has not been reported in the literature in individuals affected with BRIP1-related conditions. ClinVar contains an entry for this variant (Variation ID: 2188798). Invitae Evidence Modeling of protein sequence and biophysical properties (such as structural, functional, and spatial information, amino acid conservation, physicochemical variation, residue mobility, and thermodynamic stability) indicates that this missense variant is not expected to disrupt BRIP1 protein function with a negative predictive value of 95%. In summary, the available evidence is currently insufficient to determine the role of this variant in disease. Therefore, it has been classified as a Variant of Uncertain Significance.

Ambry Genetics
Classification: Uncertain significance for Hereditary cancer-predisposing syndrome. Last evaluated: 2024-03-08. Review status: criteria provided, single submitter. Criteria: Ambry Variant Classification Scheme 2023. Collection method: clinical testing. Allele origin: germline.
Comment: The p.M473I variant (also known as c.1419G>T), located in coding exon 9 of the BRIP1 gene, results from a G to T substitution at nucleotide position 1419. The methionine at codon 473 is replaced by isoleucine, an amino acid with highly similar properties. This amino acid position is conserved. In addition, this alteration is predicted to be tolerated by in silico analysis. Based on the available evidence, the clinical significance of this alteration remains unclear.

NM_032043.3(BRIP1):c.1419G>T (p.Met473Ile)

Gene: BRIP1 (BRCA1 interacting DNA helicase 1; minus strand). Cytogenetic location: 17q23.2.
Variant type: single nucleotide variant.
Coding change: c.1419G>T on transcript NM_032043.3 (MANE Select); coding-DNA position 1419, G replaced by T.
Protein change: p.Met473Ile; replaces methionine 473 with isoleucine.
Molecular consequence: missense variant.
Genome position (GRCh38, 1-based): chr17:61,793,651, C>A on the plus strand (G>T on the coding strand, the complement: BRIP1 is on the minus strand). VCF-style: chr17-61793651-C-A. GRCh37 (hg19) VCF-style: chr17-59871012-C-A.
Other names: short protein forms M473I.
Identifiers: ClinVar variation 2188798 (VCV002188798.5), dbSNP rs2077854491, ClinGen allele CA400482144.